The following is an entry in ClinVar:

ClinVar aggregate classification (germline): Likely pathogenic (1 of 4 stars; one submission).

Conditions:
Mandibulofacial dysostosis-microcephaly syndrome (MFDGA). Also called: Growth and mental retardation, mandibulofacial dysostosis, microcephaly, and cleft palate; Mandibulofacial dysostosis, Guion-Almeida type. Identifiers: Orphanet 79113, MedGen C1864652, MONDO:0012516, OMIM 610536.

Submission:

Molecular Genetics and NGS Laboratory, Hospital Fundacion Valle Del Lili
Classification: Likely pathogenic for Mandibulofacial dysostosis-microcephaly syndrome. Last evaluated: 2024-08-14. Review status: criteria provided, single submitter. Criteria: ACMG Guidelines, 2015. Collection method: clinical testing. Allele origin: germline. Affected: yes. Observed: 1 variant allele.
Comment: Null variant (nonsense) in gene EFTUD2, predicted to cause NMD. Loss-of-function is a known mechanism of disease. The exon affects 1 functional domain: UniProt protein U5S1_HUMAN domain 'tr-type G'. The truncated region contains 132 pathogenic variants (PVS1). The variant has not been found in genomAD exomes or in genomAD genomes.

NM_004247.4(EFTUD2):c.446T>A (p.Leu149Ter)

Gene: EFTUD2 (elongation factor Tu GTP binding domain containing 2; minus strand). Cytogenetic location: 17q21.31.
Variant type: single nucleotide variant.
Coding change: c.446T>A on transcript NM_004247.4 (MANE Select); coding-DNA position 446, T replaced by A.
Protein change: p.Leu149Ter; replaces leucine 149 with a stop codon.
Molecular consequence: nonsense. On other transcripts: intron variant (1).
Genome position (GRCh38, 1-based): chr17:44,883,139, A>T on the plus strand (T>A on the coding strand, the complement: EFTUD2 is on the minus strand). VCF-style: chr17-44883139-A-T. GRCh37 (hg19) VCF-style: chr17-42960507-A-T.
Other names: p.Leu149Ter; c.341T>A, p.Leu114Ter (NM_001142605.2); c.446T>A, p.Leu149Ter (NM_001258353.2); c.427-11T>A (NM_001258354.2); short protein forms L114*, L149*.
Identifiers: ClinVar variation 3338285 (VCV003338285.2).